The following is an entry in ClinVar:

ClinVar aggregate classification (germline): Uncertain significance (1 of 4 stars; one submission).

Conditions:
Inborn genetic diseases. Identifiers: MedGen C0950123, MeSH D030342.

Submission:

Ambry Genetics
Classification: Uncertain significance for Inborn genetic diseases. Last evaluated: 2026-07-22. Review status: criteria provided, single submitter. Criteria: Ambry Variant Classification Scheme 2023. Collection method: clinical testing. Allele origin: germline.
Comment: The c.234+5A>G intronic variant consists of an A to G substitution 5 nucleotides after exon 3 (coding exon 3) in the CAMTA1 gene. This variant was not reported in population-based cohorts in the Genome Aggregation Database (gnomAD). This nucleotide position is well conserved in available vertebrate species. In silico splice site analysis predicts that this alteration will result in the creation or strengthening of a novel splice donor site. Based on insufficient or conflicting evidence, the clinical significance of this alteration remains unclear.

NM_015215.4(CAMTA1):c.234+5A>G

Gene: CAMTA1 (calmodulin binding transcription activator 1; plus strand). Cytogenetic location: 1p36.31.
Variant type: single nucleotide variant.
Coding change: c.234+5A>G on transcript NM_015215.4 (MANE Select); 5 bases into the intron after coding-DNA position 234, A replaced by G.
Molecular consequence: intron variant.
Genome position (GRCh38, 1-based): chr1:6,825,215, A>G. VCF-style: chr1-6825215-A-G. GRCh37 (hg19) VCF-style: chr1-6885275-A-G.
Other names: c.234+5A>G (NM_001349609.2, NM_001349610.2, NM_001410737.1 and 3 more transcripts); c.144+5A>G (NM_001349608.2, NM_001349612.2); c.270+5A>G (NM_001349627.2).
Identifiers: ClinVar variation 5033665 (VCV005033665.1).
Genomic context (GRCh38, chr1:6,825,215, plus strand): 5'-GTCTGCCGAAATGTTCAAGTTTACCAAAAGAGAGGCACCGCTGGAACACTAATGAGGTAG[A>G]TAAGTTTCTTTTTTTAAGGGTATAATTATTTTAAGGGCAAATTTTTTAGGTTGCTTCACA-3'